The following is an entry in ClinVar:

ClinVar aggregate classification (germline): Conflicting classifications of pathogenicity. Review status: criteria provided, conflicting classifications (1 of 4 stars). 2 submissions from 2 submitters: Uncertain significance (1); Benign (1). Last evaluated 2025-02-13.

Conditions:
Adams-Oliver syndrome 5 (AOS5). Identifiers: Orphanet 974, MedGen C4014970, MONDO:0014459, OMIM 616028.
Familial thoracic aortic aneurysm and aortic dissection (TAAD). Also called: Thoracic aortic aneurysms and dissections. Identifiers: Orphanet 91387, MedGen C4707243, MONDO:0019625.

gnomAD v4.1: 24 of 1,609,016 alleles (0.0015%); highest among the groups gnomAD compares: Admixed American, 0.0033%; no homozygotes.

Submissions (2):

Ambry Genetics
Classification: Uncertain significance for Familial thoracic aortic aneurysm and aortic dissection. Last evaluated: 2025-02-13. Review status: criteria provided, single submitter. Criteria: Ambry Variant Classification Scheme 2023. Collection method: clinical testing. Allele origin: germline.
Comment: The p.N1221S variant (also known as c.3662A>G), located in coding exon 23 of the NOTCH1 gene, results from an A to G substitution at nucleotide position 3662. The asparagine at codon 1221 is replaced by serine, an amino acid with highly similar properties. This amino acid position is conserved. In addition, the in silico prediction for this alteration is inconclusive. Based on the available evidence, the clinical significance of this variant remains unclear.

Labcorp Genetics (formerly Invitae), Labcorp
Classification: Benign for Adams-Oliver syndrome 5. Last evaluated: 2024-07-12. Review status: criteria provided, single submitter. Criteria: Invitae Variant Classification Sherloc (09022015). Collection method: clinical testing. Allele origin: germline.

NM_017617.5(NOTCH1):c.3662A>G (p.Asn1221Ser)

Gene: NOTCH1 (notch receptor 1; minus strand). Cytogenetic location: 9q34.3.
Variant type: single nucleotide variant.
Coding change: c.3662A>G on transcript NM_017617.5 (MANE Select); coding-DNA position 3662, A replaced by G.
Protein change: p.Asn1221Ser; replaces asparagine 1221 with serine.
Molecular consequence: missense variant.
Genome position (GRCh38, 1-based): chr9:136,506,955, T>C on the plus strand (A>G on the coding strand, the complement: NOTCH1 is on the minus strand). VCF-style: chr9-136506955-T-C. GRCh37 (hg19) VCF-style: chr9-139401407-T-C.
Other names: c.3662A>G (NM_017617.3); short protein forms N1221S.
Identifiers: ClinVar variation 3662789 (VCV003662789.3).